The following is an entry in ClinVar:

NM_000632.4(ITGAM):c.134+4A>T

Gene: ITGAM (integrin subunit alpha M; plus strand). Cytogenetic location: 16p11.2.
Variant type: single nucleotide variant.
Coding change: c.134+4A>T on transcript NM_000632.4 (MANE Select); 4 bases into the intron after coding-DNA position 134, A replaced by T.
Molecular consequence: intron variant.
Genome position (GRCh38, 1-based): chr16:31,261,801, A>T. VCF-style: chr16-31261801-A-T. GRCh37 (hg19) VCF-style: chr16-31273122-A-T.
Other names: c.134+4A>T (NM_001145808.2).
Identifiers: ClinVar variation 1477971 (VCV001477971.6), dbSNP rs2144243071, ClinGen allele CA2573152298.

ClinVar aggregate classification (germline): Uncertain significance (1 of 4 stars; one submission).

Submission:

Labcorp Genetics (formerly Invitae), Labcorp
Classification: Uncertain significance. Last evaluated: 2024-10-28. Review status: criteria provided, single submitter. Criteria: Invitae Variant Classification Sherloc (09022015). Collection method: clinical testing. Allele origin: germline.
Comment: This sequence change falls in intron 2 of the ITGAM gene. It does not directly change the encoded amino acid sequence of the ITGAM protein. It affects a nucleotide within the consensus splice site. This variant is not present in population databases (gnomAD no frequency). This variant has not been reported in the literature in individuals affected with ITGAM-related conditions. ClinVar contains an entry for this variant (Variation ID: 1477971). Variants that disrupt the consensus splice site are a relatively common cause of aberrant splicing (PMID: 17576681, 9536098). Algorithms developed to predict the effect of sequence changes on RNA splicing suggest that this variant may disrupt the consensus splice site. In summary, the available evidence is currently insufficient to determine the role of this variant in disease. Therefore, it has been classified as a Variant of Uncertain Significance.

Literature cited by the submitters: PubMed 17576681; PubMed 9536098.